The following is an entry in ClinVar:

ClinVar aggregate classification (germline): Likely benign (1 of 4 stars; one submission).

Allele frequency attached by ClinVar (database versions not stated): TOPMed below 0.00001; gnomAD 0.00001; gnomAD exomes 0.00001; ExAC 0.00002.
gnomAD v4.1: 16 of 1,605,158 alleles (0.001%); highest among the groups gnomAD compares: Middle Eastern, 0.017%; no homozygotes.

Submission:

CeGaT Center for Human Genetics Tuebingen
Classification: Likely benign. Last evaluated: 2023-09-01. Review status: criteria provided, single submitter. Criteria: CeGaT Center For Human Genetics Tuebingen Variant Classification Criteria Version 2. Collection method: clinical testing. Allele origin: germline. Affected: yes. Observed: 1 variant allele.
Comment: BPTF: BP4, BP7, BS2

NM_182641.4(BPTF):c.5760G>A (p.Leu1920=)

Gene: BPTF (bromodomain PHD finger transcription factor; plus strand). Cytogenetic location: 17q24.2.
Variant type: single nucleotide variant.
Coding change: c.5760G>A on transcript NM_182641.4 (MANE Select); coding-DNA position 5760, G replaced by A.
Protein change: p.Leu1920=; no amino-acid change (leucine 1920 retained).
Molecular consequence: synonymous variant.
Genome position (GRCh38, 1-based): chr17:67,928,363, G>A. VCF-style: chr17-67928363-G-A. GRCh37 (hg19) VCF-style: chr17-65924479-G-A.
Other names: c.6138G>A, p.Leu2046= (NM_004459.7).
Identifiers: ClinVar variation 2648143 (VCV002648143.24), dbSNP rs748032435, ClinGen allele CA8726035.